The following is an entry in ClinVar:

NM_024596.5(MCPH1):c.2368C>T (p.Pro790Ser)

Genes: MCPH1 (microcephalin 1; plus strand), MCPH1-AS1 (MCPH1 antisense RNA 1; minus strand). Cytogenetic location: 8p23.1.
Variant type: single nucleotide variant.
Coding change: c.2368C>T on transcript NM_024596.5 (MANE Select); coding-DNA position 2368, C replaced by T.
Protein change: p.Pro790Ser; replaces proline 790 with serine.
Molecular consequence: missense variant. On other transcripts: non-coding transcript variant (1).
Genome position (GRCh38, 1-based): chr8:6,621,607, C>T. VCF-style: chr8-6621607-C-T. GRCh37 (hg19) VCF-style: chr8-6479128-C-T.
Other names: c.2368C>T, p.Pro790Ser (NM_001322042.2, NM_001363979.1); c.2089C>T, p.Pro697Ser (NM_001363980.2); short protein forms P697S, P790S.
Identifiers: ClinVar variation 810247 (VCV000810247.46), dbSNP rs1586835974, ClinGen allele CA370216475.

ClinVar aggregate classification (germline): Uncertain significance. Review status: criteria provided, multiple submitters, no conflicts (2 of 4 stars). 2 submissions from 2 submitters: Uncertain significance (2). Last evaluated 2025-07-07.

Allele frequency attached by ClinVar (database versions not stated): gnomAD exomes below 0.00001.
gnomAD v4.1: 1 of 1,614,232 alleles (0.000062%); highest among the groups gnomAD compares: South Asian, 0.0011%; no homozygotes.

Submissions (2):

Labcorp Genetics (formerly Invitae), Labcorp
Classification: Uncertain significance. Last evaluated: 2025-07-07. Review status: criteria provided, single submitter. Criteria: Invitae Variant Classification Sherloc (09022015). Collection method: clinical testing. Allele origin: germline.
Comment: This sequence change replaces proline, which is neutral and non-polar, with serine, which is neutral and polar, at codon 790 of the MCPH1 protein (p.Pro790Ser). This variant is not present in population databases (gnomAD no frequency). This variant has not been reported in the literature in individuals affected with MCPH1-related conditions. ClinVar contains an entry for this variant (Variation ID: 810247). Invitae Evidence Modeling of protein sequence and biophysical properties (such as structural, functional, and spatial information, amino acid conservation, physicochemical variation, residue mobility, and thermodynamic stability) indicates that this missense variant is not expected to disrupt MCPH1 protein function with a negative predictive value of 80%. In summary, the available evidence is currently insufficient to determine the role of this variant in disease. Therefore, it has been classified as a Variant of Uncertain Significance.

CeGaT Center for Human Genetics Tuebingen
Classification: Uncertain significance. Last evaluated: 2019-01-01. Review status: criteria provided, single submitter. Criteria: CeGaT Center For Human Genetics Tuebingen Variant Classification Criteria Version 2. Collection method: clinical testing. Allele origin: germline. Affected: yes. Observed: 1 variant allele.